The following is an entry in ClinVar:

ClinVar aggregate classification (germline): Conflicting classifications of pathogenicity. Review status: criteria provided, conflicting classifications (1 of 4 stars). 4 submissions from 4 submitters: Uncertain significance (3); Likely benign (1). Last evaluated 2024-06-11.

Conditions:
Hereditary breast ovarian cancer syndrome. Also called: BRCA1- and BRCA2-Associated Hereditary Breast and Ovarian Cancer; Hereditary breast and ovarian cancer syndrome; Hereditary breast and ovarian cancer; Hereditary breast and ovarian cancer syndrome (HBOC); Breast and ovarian cancer; Hereditary breast and/or ovarian cancer syndrome. Identifiers: Orphanet 145, MedGen C0677776, MeSH D061325, MONDO:0003582. Disease mechanism: loss of function.
Hereditary cancer-predisposing syndrome. Also called: Neoplastic Syndromes, Hereditary; Tumor predisposition; Hereditary Cancer Syndrome; Hereditary neoplastic syndrome. Identifiers: Orphanet 140162, MedGen C0027672, MeSH D009386, MONDO:0015356.

Submissions (4):

Labcorp Genetics (formerly Invitae), Labcorp
Classification: Uncertain significance for Hereditary breast ovarian cancer syndrome. Last evaluated: 2024-06-11. Review status: criteria provided, single submitter. Criteria: Invitae Variant Classification Sherloc (09022015). Collection method: clinical testing. Allele origin: germline.
Comment: This sequence change replaces serine, which is neutral and polar, with cysteine, which is neutral and slightly polar, at codon 590 of the BRCA1 protein (p.Ser590Cys). This variant is not present in population databases (gnomAD no frequency). This variant has not been reported in the literature in individuals affected with BRCA1-related conditions. ClinVar contains an entry for this variant (Variation ID: 919950). Advanced modeling of protein sequence and biophysical properties (such as structural, functional, and spatial information, amino acid conservation, physicochemical variation, residue mobility, and thermodynamic stability) performed at Invitae indicates that this missense variant is not expected to disrupt BRCA1 protein function with a negative predictive value of 95%. In summary, the available evidence is currently insufficient to determine the role of this variant in disease. Therefore, it has been classified as a Variant of Uncertain Significance.

University of Washington Department of Laboratory Medicine, University of Washington
Classification: Likely benign for Hereditary cancer-predisposing syndrome. Last evaluated: 2023-03-23. Review status: criteria provided, single submitter. Criteria: Dines et al. (Genet Med. 2020). Collection method: curation. Allele origin: germline.
Comment: Missense variant in a coldspot region where missense variants are very unlikely to be pathogenic (PMID:31911673).

BRCA1 coldspot (exon 11 using historical exon numbering). Reclassification based on statistical prior probability

Ambry Genetics
Classification: Uncertain significance for Hereditary cancer-predisposing syndrome. Last evaluated: 2021-06-04. Review status: criteria provided, single submitter. Criteria: Ambry Variant Classification Scheme 2023. Collection method: clinical testing. Allele origin: germline.
Comment: The p.S590C variant (also known as c.1768A>T), located in coding exon 9 of the BRCA1 gene, results from an A to T substitution at nucleotide position 1768. The serine at codon 590 is replaced by cysteine, an amino acid with dissimilar properties. This amino acid position is well conserved in available vertebrate species. In addition, the in silico prediction for this alteration is inconclusive. Since supporting evidence is limited at this time, the clinical significance of this alteration remains unclear.

Color Diagnostics, LLC DBA Color Health
Classification: Uncertain significance for Hereditary cancer-predisposing syndrome. Last evaluated: 2019-06-16. Review status: criteria provided, single submitter. Criteria: ACMG Guidelines, 2015. Collection method: clinical testing. Allele origin: germline.

NM_007294.4(BRCA1):c.1768A>T (p.Ser590Cys)

Gene: BRCA1 (BRCA1 DNA repair associated; minus strand). Cytogenetic location: 17q21.31.
Variant type: single nucleotide variant.
Coding change: c.1768A>T on transcript NM_007294.4 (MANE Select); coding-DNA position 1768, A replaced by T.
Protein change: p.Ser590Cys; replaces serine 590 with cysteine.
Molecular consequence: missense variant. On other transcripts: intron variant (137).
Genome position (GRCh38, 1-based): chr17:43,093,763, T>A on the plus strand (A>T on the coding strand, the complement: BRCA1 is on the minus strand). VCF-style: chr17-43093763-T-A. GRCh37 (hg19) VCF-style: chr17-41245780-T-A.
Other names: c.1627A>T, p.Ser543Cys (NM_001407733.1, NM_001407734.1, NM_001407735.1 and 29 more transcripts); c.1624A>T, p.Ser542Cys (NM_001407740.1, NM_001407741.1, NM_001407742.1 and 20 more transcripts); c.1555A>T, p.Ser519Cys (NM_001407571.1, NM_001407853.1, NM_001407894.1 and 9 more transcripts); c.1768A>T, p.Ser590Cys (NM_001407581.1, NM_001407582.1, NM_001407583.1 and 30 more transcripts); c.1765A>T, p.Ser589Cys (NM_001407587.1, NM_001407590.1, NM_001407591.1 and 22 more transcripts); c.1759A>T, p.Ser587Cys (NM_001407646.1, NM_001407647.1); c.1645A>T, p.Ser549Cys (NM_001407648.1, NM_001407664.1, NM_001407665.1 and 19 more transcripts); c.1642A>T, p.Ser548Cys (NM_001407649.1, NM_001407670.1, NM_001407671.1 and 11 more transcripts); and 40 more; short protein forms S590C, S543C, S422C, S463C, S519C, S523C, S542C, S462C.
Identifiers: ClinVar variation 919950 (VCV000919950.16), dbSNP rs80357454, ClinGen allele CA10598489.